The following is an entry in ClinVar:

ClinVar aggregate classification (germline): Uncertain significance. Review status: criteria provided, multiple submitters, no conflicts (2 of 4 stars). 2 submissions from 2 submitters: Uncertain significance (2). Last evaluated 2025-05-17.

Conditions:
Charcot-Marie-Tooth disease type 4. Also called: Charcot-Marie-Tooth, Type 4; Charcot-Marie-Tooth disease, type IV. Identifiers: Orphanet 64749, MedGen C4082197, MONDO:0018995.
Inborn genetic diseases. Identifiers: MedGen C0950123, MeSH D030342.

Submissions (2):

Ambry Genetics
Classification: Uncertain significance for Inborn genetic diseases. Last evaluated: 2025-05-17. Review status: criteria provided, single submitter. Criteria: Ambry Variant Classification Scheme 2023. Collection method: clinical testing. Allele origin: germline.

Labcorp Genetics (formerly Invitae), Labcorp
Classification: Uncertain significance for Charcot-Marie-Tooth disease type 4. Last evaluated: 2022-07-19. Review status: criteria provided, single submitter. Criteria: Invitae Variant Classification Sherloc (09022015). Collection method: clinical testing. Allele origin: germline.
Comment: In summary, the available evidence is currently insufficient to determine the role of this variant in disease. Therefore, it has been classified as a Variant of Uncertain Significance. Algorithms developed to predict the effect of missense changes on protein structure and function are either unavailable or do not agree on the potential impact of this missense change (SIFT: "Tolerated"; PolyPhen-2: "Probably Damaging"; Align-GVGD: "Class C0"). ClinVar contains an entry for this variant (Variation ID: 1416557). This variant has not been reported in the literature in individuals affected with NDRG1-related conditions. This variant is not present in population databases (gnomAD no frequency). This sequence change replaces threonine, which is neutral and polar, with alanine, which is neutral and non-polar, at codon 47 of the NDRG1 protein (p.Thr47Ala).

NM_006096.4(NDRG1):c.139A>G (p.Thr47Ala)

Gene: NDRG1 (N-myc downstream regulated 1; minus strand). Cytogenetic location: 8q24.22.
Variant type: single nucleotide variant.
Coding change: c.139A>G on transcript NM_006096.4 (MANE Select); coding-DNA position 139, A replaced by G.
Protein change: p.Thr47Ala; replaces threonine 47 with alanine.
Molecular consequence: missense variant. On other transcripts: 5 prime UTR variant (2), intron variant (1).
Genome position (GRCh38, 1-based): chr8:133,264,613, T>C on the plus strand (A>G on the coding strand, the complement: NDRG1 is on the minus strand). VCF-style: chr8-133264613-T-C. GRCh37 (hg19) VCF-style: chr8-134276856-T-C.
Other names: c.139A>G, p.Thr47Ala (NM_001135242.2, NM_001374844.1, NM_001374845.1 and 1 more transcripts); c.-60A>G (NM_001258432.2, NM_001374847.1); c.-38-2446A>G (NM_001258433.2); c.139A>G (NM_006096.3); short protein forms T47A.
Identifiers: ClinVar variation 1416557 (VCV001416557.9), dbSNP rs2130743246, ClinGen allele CA372256556.